The following is an entry in ClinVar:

NC_000007.14:g.(?_42048471)_(42148488_?)del

Genes: GLI3 (GLI family zinc finger 3; minus strand), LOC110121152 (VISTA enhancer hs1586; plus strand). Cytogenetic location: 7p14.1.
Variant type: Deletion.
Identifiers: ClinVar variation 583873 (VCV000583873.8).

ClinVar aggregate classification (germline): Uncertain significance (1 of 4 stars; one submission).

Conditions:
Pallister-Hall syndrome (PHS). Also called: GLI3-Related Pallister-Hall Syndrome; HYPOTHALAMIC HAMARTOBLASTOMA, HYPOPITUITARISM, IMPERFORATE ANUS, AND POSTAXIAL POLYDACTYLY. Identifiers: Orphanet 672, MedGen C0265220, MONDO:0007804, OMIM 146510.
Greig cephalopolysyndactyly syndrome (GCPS). Also called: Greig syndrome; POLYSYNDACTYLY WITH PECULIAR SKULL SHAPE; GLI3-Related Greig Cephalopolysyndactyly Syndrome. Identifiers: Orphanet 380, MedGen C0265306, MONDO:0008287, OMIM 175700.

Submission:

Labcorp Genetics (formerly Invitae), Labcorp
Classification: Uncertain significance for Pallister-Hall syndrome; Greig cephalopolysyndactyly syndrome. Last evaluated: 2018-05-29. Review status: criteria provided, single submitter. Criteria: Invitae Variant Classification Sherloc (09022015). Collection method: clinical testing. Allele origin: germline.
Comment: Experimental studies are not available for this variant, and the functional significance of the deleted exons is currently unknown. In summary, the available evidence is currently insufficient to determine the role of this variant in disease. Therefore, it has been classified as a Variant of Uncertain Significance. This variant has not been reported in the literature in individuals with GLI3-related disease. This variant is an in-frame deletion of the genomic region encompassing exons 3-5 of the GLI3 gene. It preserves the integrity of the reading frame.